The following is an entry in ClinVar:

ClinVar aggregate classification (germline): Uncertain significance (1 of 4 stars; one submission).

Allele frequency attached by ClinVar (database versions not stated): ExAC 0.00001; gnomAD 0.00001; gnomAD exomes 0.00001; TOPMed 0.00001; ESP Exome Variant Server 0.00008.

Submission:

Labcorp Genetics (formerly Invitae), Labcorp
Classification: Uncertain significance. Last evaluated: 2022-02-02. Review status: criteria provided, single submitter. Criteria: Invitae Variant Classification Sherloc (09022015). Collection method: clinical testing. Allele origin: germline.
Comment: This sequence change creates a premature translational stop signal (p.Arg130*) in the GUCA1B gene. It is expected to result in an absent or disrupted protein product. However, the current clinical and genetic evidence is not sufficient to establish whether loss-of-function variants in GUCA1B cause disease. In summary, the available evidence is currently insufficient to determine the role of this variant in disease. Therefore, it has been classified as a Variant of Uncertain Significance. Algorithms developed to predict the effect of sequence changes on RNA splicing suggest that this variant may create or strengthen a splice site. This variant has not been reported in the literature in individuals affected with GUCA1B-related conditions. This variant is present in population databases (rs374671365, gnomAD 0.006%).

NM_002098.6(GUCA1B):c.388C>T (p.Arg130Ter)

Gene: GUCA1B (guanylate cyclase activator 1B; minus strand). Cytogenetic location: 6p21.1.
Variant type: single nucleotide variant.
Coding change: c.388C>T on transcript NM_002098.6 (MANE Select); coding-DNA position 388, C replaced by T.
Protein change: p.Arg130Ter; replaces arginine 130 with a stop codon.
Molecular consequence: nonsense.
Genome position (GRCh38, 1-based): chr6:42,185,767, G>A on the plus strand (C>T on the coding strand, the complement: GUCA1B is on the minus strand). VCF-style: chr6-42185767-G-A. GRCh37 (hg19) VCF-style: chr6-42153505-G-A.
Other names: short protein forms R130*.
Identifiers: ClinVar variation 1487628 (VCV001487628.6), dbSNP rs374671365, ClinGen allele CA3805566.